The following is an entry in ClinVar:

ClinVar aggregate classification (germline): Uncertain significance (1 of 4 stars; one submission).

Submission:

Labcorp Genetics (formerly Invitae), Labcorp
Classification: Uncertain significance. Last evaluated: 2023-05-05. Review status: criteria provided, single submitter. Criteria: Invitae Variant Classification Sherloc (09022015). Collection method: clinical testing. Allele origin: germline.
Comment: ClinVar contains an entry for this variant (Variation ID: 1722074). This variant has not been reported in the literature in individuals affected with ALPK3-related conditions. This variant is not present in population databases (gnomAD no frequency). This sequence change replaces glutamic acid, which is acidic and polar, with aspartic acid, which is acidic and polar, at codon 1333 of the ALPK3 protein (p.Glu1333Asp). Algorithms developed to predict the effect of missense changes on protein structure and function output the following: SIFT: "Not Available"; PolyPhen-2: "Benign"; Align-GVGD: "Not Available". The aspartic acid amino acid residue is found in multiple mammalian species, which suggests that this missense change does not adversely affect protein function. In summary, the available evidence is currently insufficient to determine the role of this variant in disease. Therefore, it has been classified as a Variant of Uncertain Significance.

NM_020778.5(ALPK3):c.3393G>C (p.Glu1131Asp)

Gene: ALPK3 (alpha kinase 3; plus strand). Cytogenetic location: 15q25.3.
Variant type: single nucleotide variant.
Coding change: c.3393G>C on transcript NM_020778.5 (MANE Select); coding-DNA position 3393, G replaced by C.
Protein change: p.Glu1131Asp; replaces glutamic acid 1131 with aspartic acid.
Molecular consequence: missense variant.
Genome position (GRCh38, 1-based): chr15:84,858,131, G>C. VCF-style: chr15-84858131-G-C. GRCh37 (hg19) VCF-style: chr15-85401362-G-C.
Other names: short protein forms E1131D.
Identifiers: ClinVar variation 1722074 (VCV001722074.5), dbSNP rs934462659, ClinGen allele CA393360176.